The following is an entry in ClinVar:

ClinVar aggregate classification (germline): Uncertain significance (1 of 4 stars; one submission).

Submission:

GeneDx
Classification: Uncertain significance. Last evaluated: 2022-04-15. Review status: criteria provided, single submitter. Criteria: GeneDx Variant Classification Process June 2021. Collection method: clinical testing. Allele origin: germline. Affected: yes.
Comment: Not observed at significant frequency in large population cohorts (gnomAD); In silico analysis supports that this missense variant does not alter protein structure/function; Has not been previously published as pathogenic or benign to our knowledge

NM_001394062.1(MACF1):c.12151G>C (p.Val4051Leu)

Genes: MACF1 (microtubule actin crosslinking factor 1; plus strand), LOC126805711 (CDK7 strongly-dependent group 2 enhancer GRCh37_chr1:39824023-39825222; plus strand). Cytogenetic location: 1p34.3.
Variant type: single nucleotide variant.
Coding change: c.12151G>C on transcript NM_001394062.1 (MANE Select); coding-DNA position 12151, G replaced by C.
Protein change: p.Val4051Leu; replaces valine 4051 with leucine.
Molecular consequence: missense variant.
Genome position (GRCh38, 1-based): chr1:39,359,171, G>C. VCF-style: chr1-39359171-G-C. GRCh37 (hg19) VCF-style: chr1-39824843-G-C.
Other names: c.5965G>C, p.Val1989Leu (NM_012090.5); short protein forms V1989L, V4051L.
Identifiers: ClinVar variation 1710685 (VCV001710685.2), dbSNP rs1647849164, ClinGen allele CA339821806.
Genomic context (GRCh38, chr1:39,359,171, plus strand): 5'-TTTTCTTTTGTTTTTTTCATGGACAAGCAGCAGTTGCAGGAGGAATTGGCTGAGCACCAA[G>C]TACCTGTGGAAAAACTCCAAAAAGTAGCTCGTGACATAATGGAAATTGAAGGGGAGCCAG-3'
Protein context (NP_001380991.1, residues 4041-4061): QLQEELAEHQ[Val4051Leu]PVEKLQKVAR